The following is an entry in ClinVar:

NM_007294.4(BRCA1):c.3127A>C (p.Asn1043His)

Gene: BRCA1 (BRCA1 DNA repair associated; minus strand). Cytogenetic location: 17q21.31.
Variant type: single nucleotide variant.
Coding change: c.3127A>C on transcript NM_007294.4 (MANE Select); coding-DNA position 3127, A replaced by C.
Protein change: p.Asn1043His; replaces asparagine 1043 with histidine.
Molecular consequence: missense variant. On other transcripts: intron variant (137).
Genome position (GRCh38, 1-based): chr17:43,092,404, T>G on the plus strand (A>C on the coding strand, the complement: BRCA1 is on the minus strand). VCF-style: chr17-43092404-T-G. GRCh37 (hg19) VCF-style: chr17-41244421-T-G.
Other names: c.2914A>C, p.Asn972His (NM_001407571.1, NM_001407853.1, NM_001407894.1 and 9 more transcripts); c.3127A>C, p.Asn1043His (NM_001407581.1, NM_001407582.1, NM_001407583.1 and 30 more transcripts); c.3124A>C, p.Asn1042His (NM_001407587.1, NM_001407590.1, NM_001407591.1 and 22 more transcripts); c.3118A>C, p.Asn1040His (NM_001407646.1, NM_001407647.1); c.3004A>C, p.Asn1002His (NM_001407648.1, NM_001407664.1, NM_001407665.1 and 19 more transcripts); c.3001A>C, p.Asn1001His (NM_001407649.1, NM_001407670.1, NM_001407671.1 and 11 more transcripts); c.3049A>C, p.Asn1017His (NM_001407653.1, NM_001407654.1, NM_001407655.1 and 4 more transcripts); c.3046A>C, p.Asn1016His (NM_001407659.1, NM_001407660.1, NM_001407661.1 and 1 more transcripts); and 41 more; short protein forms N1043H, N996H, N1042H, N747H, N916H, N976H, N1001H, N1016H.
Identifiers: ClinVar variation 491058 (VCV000491058.7), dbSNP rs587782630, ClinGen allele CA10595732.
Genomic context (GRCh38, chr17:43,092,404, plus strand): 5'-AACCTATTTCATTAATACTGGAGCCCACTTCATTAGTACTGGAACCTACTTCATTAATAT[T>G]GCTTGAGCTGGCTTCTTTAAAAACATTTTCTCTAATGTTATTACGGCTAATTGTGCTCAC-3'
Protein context (NP_009225.1, residues 1033-1053): ENVFKEASSS[Asn1043His]INEVGSSTNE

ClinVar aggregate classification (germline): Conflicting classifications of pathogenicity. Review status: criteria provided, conflicting classifications (1 of 4 stars). 2 submissions from 2 submitters: Uncertain significance (1); Likely benign (1). Last evaluated 2023-03-23.

Conditions:
Hereditary cancer-predisposing syndrome. Also called: Hereditary Cancer Syndrome; Neoplastic Syndromes, Hereditary; Tumor predisposition; Hereditary neoplastic syndrome. Identifiers: Orphanet 140162, MedGen C0027672, MeSH D009386, MONDO:0015356.

Submissions (2):

University of Washington Department of Laboratory Medicine, University of Washington
Classification: Likely benign for Hereditary cancer-predisposing syndrome. Last evaluated: 2023-03-23. Review status: criteria provided, single submitter. Criteria: Dines et al. (Genet Med. 2020). Collection method: curation. Allele origin: germline.
Comment: Missense variant in a coldspot region where missense variants are very unlikely to be pathogenic (PMID:31911673).

BRCA1 coldspot (exon 11 using historical exon numbering). Reclassification based on statistical prior probability

Color Diagnostics, LLC DBA Color Health
Classification: Uncertain significance for Hereditary cancer-predisposing syndrome. Last evaluated: 2019-05-16. Review status: criteria provided, single submitter. Criteria: ACMG Guidelines, 2015. Collection method: clinical testing. Allele origin: germline.